The following is an entry in ClinVar:

ClinVar aggregate classification (germline): Uncertain significance (1 of 4 stars; one submission).

Conditions:
Familial hemophagocytic lymphohistiocytosis 3 (FHL3). Also called: UNC13D-Related Familial Hemophagocytic Lymphohistiocytosis (UNC13D-fHLH). Identifiers: Orphanet 540, MedGen C1837174, MONDO:0012146, OMIM 608898.

Allele frequency attached by ClinVar (database versions not stated): gnomAD 0.00001; TOPMed 0.00001.
gnomAD v4.1: 3 of 1,614,004 alleles (0.00019%); highest among the groups gnomAD compares: East Asian, 0.0045%; no homozygotes.

Submission:

Labcorp Genetics (formerly Invitae), Labcorp
Classification: Uncertain significance for Familial hemophagocytic lymphohistiocytosis 3. Last evaluated: 2022-08-16. Review status: criteria provided, single submitter. Criteria: Invitae Variant Classification Sherloc (09022015). Collection method: clinical testing. Allele origin: germline.
Comment: This sequence change replaces leucine, which is neutral and non-polar, with methionine, which is neutral and non-polar, at codon 853 of the UNC13D protein (p.Leu853Met). The frequency data for this variant in the population databases is considered unreliable, as metrics indicate poor data quality at this position in the gnomAD database. This variant has not been reported in the literature in individuals affected with UNC13D-related conditions. ClinVar contains an entry for this variant (Variation ID: 1043935). Algorithms developed to predict the effect of missense changes on protein structure and function are either unavailable or do not agree on the potential impact of this missense change (SIFT: "Not Available"; PolyPhen-2: "Probably Damaging"; Align-GVGD: "Not Available"). In summary, the available evidence is currently insufficient to determine the role of this variant in disease. Therefore, it has been classified as a Variant of Uncertain Significance.

NM_199242.3(UNC13D):c.2557C>A (p.Leu853Met)

Gene: UNC13D (unc-13 homolog D; minus strand). Cytogenetic location: 17q25.1.
Variant type: single nucleotide variant.
Coding change: c.2557C>A on transcript NM_199242.3 (MANE Select); coding-DNA position 2557, C replaced by A.
Protein change: p.Leu853Met; replaces leucine 853 with methionine.
Molecular consequence: missense variant.
Genome position (GRCh38, 1-based): chr17:75,831,166, G>T on the plus strand (C>A on the coding strand, the complement: UNC13D is on the minus strand). VCF-style: chr17-75831166-G-T. GRCh37 (hg19) VCF-style: chr17-73827247-G-T.
Other names: short protein forms L853M.
Identifiers: ClinVar variation 1043935 (VCV001043935.6), dbSNP rs1457768794, ClinGen allele CA401081638.